The following is an entry in ClinVar:

ClinVar aggregate classification (germline): Uncertain significance (1 of 4 stars; one submission).

Submission:

Ambry Genetics
Classification: Uncertain significance. Last evaluated: 2025-07-03. Review status: criteria provided, single submitter. Criteria: Ambry Variant Classification Scheme 2023. Collection method: clinical testing. Allele origin: germline.
Comment: The p.Q1112P variant (also known as c.3335A>C), located in coding exon 12 of the WNK2 gene, results from an A to C substitution at nucleotide position 3335. The glutamine at codon 1112 is replaced by proline, an amino acid with similar properties. This amino acid position is conserved. In addition, the in silico prediction for this alteration is inconclusive. Based on the available evidence, the clinical significance of this variant remains unclear.

NM_006648.4(WNK2):c.3335A>C (p.Gln1112Pro)

Gene: WNK2 (WNK lysine deficient protein kinase 2; plus strand). Cytogenetic location: 9q22.31.
Variant type: single nucleotide variant.
Coding change: c.3335A>C on transcript NM_006648.4 (MANE Select); coding-DNA position 3335, A replaced by C.
Protein change: p.Gln1112Pro; replaces glutamine 1112 with proline.
Molecular consequence: missense variant.
Genome position (GRCh38, 1-based): chr9:93,262,082, A>C. VCF-style: chr9-93262082-A-C. GRCh37 (hg19) VCF-style: chr9-96024364-A-C.
Other names: c.3335A>C, p.Gln1112Pro (NM_001282394.3); short protein forms Q1112P.
Identifiers: ClinVar variation 4201584 (VCV004201584.1).
Genomic context (GRCh38, chr9:93,262,082, plus strand): 5'-CACCAGCAAACCCACCGCTGCCTGGCGGGCCCGGGATCGCCAGCCCTTGCCCAACTGTCC[A>C]GCTGACGGTGGAACCAGTCCAAGAGGTGTGTGCCCCTCCCCCCAGCCTGTCCCATGACTG-3'
Protein context (NP_006639.3, residues 1102-1122): PGIASPCPTV[Gln1112Pro]LTVEPVQEEQ